The following is an entry in ClinVar:

ClinVar aggregate classification (germline): Uncertain significance (1 of 4 stars; one submission).

Conditions:
Inborn genetic diseases. Identifiers: MedGen C0950123, MeSH D030342.

Submission:

Ambry Genetics
Classification: Uncertain significance for Inborn genetic diseases. Last evaluated: 2024-09-16. Review status: criteria provided, single submitter. Criteria: Ambry Variant Classification Scheme 2023. Collection method: clinical testing. Allele origin: germline.
Comment: The c.410_430dupGTGGAACAAATGTTCGAAATG (p.G137_N143dup) alteration, located in coding exon 5 of the EIF4A2 gene, results from an in-frame duplication of 21 nucleotides at positions c.410 to c.430. This results in the insertion of 7 amino acids between codons 143 and 144. This variant was not reported in population-based cohorts in the Genome Aggregation Database (gnomAD). This amino acid position is well conserved in available vertebrate species. This alteration is predicted to be deleterious by in silico analysis (Choi, 2012). Based on insufficient or conflicting evidence, the clinical significance of this alteration remains unclear.

NM_001967.4(EIF4A2):c.410_430dup (p.Asn143_Glu144insGlyGlyThrAsnValArgAsn)

Gene: EIF4A2 (eukaryotic translation initiation factor 4A2; plus strand). Cytogenetic location: 3q27.3.
Variant type: Duplication.
Coding change: c.410_430dup on transcript NM_001967.4 (MANE Select); coding-DNA positions 410 to 430, 21 bases duplicated (GTGGAACAAATGTTCGAAATG).
Protein change: p.Asn143_Glu144insGlyGlyThrAsnValArgAsn.
Genome position (GRCh38, 1-based): chr3:186,785,944-186,785,964, GTGGAACAAATGTTCGAAATG duplicated; duplicating any 21 consecutive bases within chr3:186,785,942-186,785,964 gives the same sequence; the c. name uses the placement nearest the transcript's 3' end. VCF-style (leftmost placement, unchanged base first): chr3-186785941-T-TTGGTGGAACAAATGTTCGAAA. GRCh37 (hg19) VCF-style: chr3-186503730-T-TTGGTGGAACAAATGTTCGAAA.
Identifiers: ClinVar variation 3507610 (VCV003507610.1).